The following is an entry in ClinVar:

NM_004006.3(DMD):c.5155-1G>C

Gene: DMD (dystrophin; minus strand). Cytogenetic location: Xp21.1.
Variant type: single nucleotide variant.
Coding change: c.5155-1G>C on transcript NM_004006.3 (MANE Select); the canonical splice acceptor site of the intron before coding-DNA position 5155, G replaced by C.
Molecular consequence: splice acceptor variant.
Genome position (GRCh38, 1-based): chrX:32,362,959, C>G on the plus strand (G>C on the coding strand, the complement: DMD is on the minus strand). VCF-style: chrX-32362959-C-G. GRCh37 (hg19) VCF-style: chrX-32381076-C-G.
Other names: c.5131-1G>C (NM_000109.4); c.1132-1G>C (NM_004011.4); c.1123-1G>C (NM_004012.4); c.5143-1G>C (NM_004009.3); c.4786-1G>C (NM_004010.3).
Identifiers: ClinVar variation 1496261 (VCV001496261.6), dbSNP rs1220757614, ClinGen allele CA412671399.
Genomic context (GRCh38, chrX:32,362,959, plus strand): 5'-TGCTTGGTCACGTGTAGAGTCCACCTTTGGGCGTATGTCATTCAGTTCTGCCTTTAAACG[C>G]TATATTCCATGAGCAAGAGATAGGACTTGAAGTTAGTAATTAATGAAGGTCAAGATAGAA-3'

ClinVar aggregate classification (germline): Likely pathogenic (1 of 4 stars; one submission).

Conditions:
Duchenne muscular dystrophy (DMD). Also called: Duchenne Muscular Dystrophy (DMD); MUSCULAR DYSTROPHY, PSEUDOHYPERTROPHIC PROGRESSIVE, DUCHENNE TYPE. Identifiers: Orphanet 98896, MedGen C0013264, MONDO:0010679, OMIM 310200.

Allele frequency attached by ClinVar (database versions not stated): gnomAD exomes 0.00001.

Submission:

Labcorp Genetics (formerly Invitae), Labcorp
Classification: Likely pathogenic for Duchenne muscular dystrophy. Last evaluated: 2022-03-26. Review status: criteria provided, single submitter. Criteria: Invitae Variant Classification Sherloc (09022015). Collection method: clinical testing. Allele origin: germline.
Comment: This sequence change affects an acceptor splice site in intron 36 of the DMD gene. It is expected to disrupt RNA splicing. Variants that disrupt the donor or acceptor splice site typically lead to a loss of protein function (PMID: 16199547), and loss-of-function variants in DMD are known to be pathogenic (PMID: 16770791, 25007885). This variant is present in population databases (no rsID available, gnomAD 0.005%), including at least one homozygous and/or hemizygous individual. This variant has not been reported in the literature in individuals affected with DMD-related conditions. Algorithms developed to predict the effect of sequence changes on RNA splicing suggest that this variant may disrupt the consensus splice site. In summary, the currently available evidence indicates that the variant is pathogenic, but additional data are needed to prove that conclusively. Therefore, this variant has been classified as Likely Pathogenic.

Literature cited by the submitters: PubMed 16199547; PubMed 16770791; PubMed 25007885.